The following is an entry in ClinVar:

NM_212482.4(FN1):c.2879C>A (p.Thr960Asn)

Gene: FN1 (fibronectin 1; minus strand). Cytogenetic location: 2q35.
Variant type: single nucleotide variant.
Coding change: c.2879C>A on transcript NM_212482.4 (MANE Select); coding-DNA position 2879, C replaced by A.
Protein change: p.Thr960Asn; replaces threonine 960 with asparagine.
Molecular consequence: missense variant.
Genome position (GRCh38, 1-based): chr2:215,406,345, G>T on the plus strand (C>A on the coding strand, the complement: FN1 is on the minus strand). VCF-style: chr2-215406345-G-T. GRCh37 (hg19) VCF-style: chr2-216271068-G-T.
Other names: c.2879C>A, p.Thr960Asn (NM_001306129.2, NM_001306130.2, NM_001306131.2 and 13 more transcripts); c.2879C>A (NM_212482.1); short protein forms T960N.
Identifiers: ClinVar variation 1978346 (VCV001978346.5), dbSNP rs565714281, ClinGen allele CA350489836.
Genomic context (GRCh38, chr2:215,406,345, plus strand): 5'-ACTGCAAAGACTTTGAAGTAATAGGTGACCCCAGGGGACAGCCCGGTGACTTCTGCAAAG[G>T]TGTTCCTGCTGATGGGCAGCCTCTGCCCGTGCTCGCCAGGCAGGTTGACGGGGATCACAT-3'
Protein context (NP_997647.2, residues 950-970): HGQRLPISRN[Thr960Asn]FAEVTGLSPG

ClinVar aggregate classification (germline): Uncertain significance. Review status: criteria provided, multiple submitters, no conflicts (2 of 4 stars). 2 submissions from 2 submitters: Uncertain significance (2). Last evaluated 2025-04-15.

Conditions:
Inborn genetic diseases. Identifiers: MedGen C0950123, MeSH D030342.

Submissions (2):

Ambry Genetics
Classification: Uncertain significance for Inborn genetic diseases. Last evaluated: 2025-04-15. Review status: criteria provided, single submitter. Criteria: Ambry Variant Classification Scheme 2023. Collection method: clinical testing. Allele origin: germline.

Labcorp Genetics (formerly Invitae), Labcorp
Classification: Uncertain significance. Last evaluated: 2022-07-09. Review status: criteria provided, single submitter. Criteria: Invitae Variant Classification Sherloc (09022015). Collection method: clinical testing. Allele origin: germline.
Comment: In summary, the available evidence is currently insufficient to determine the role of this variant in disease. Therefore, it has been classified as a Variant of Uncertain Significance. Algorithms developed to predict the effect of missense changes on protein structure and function are either unavailable or do not agree on the potential impact of this missense change (SIFT: "Not Available"; PolyPhen-2: "Benign"; Align-GVGD: "Not Available"). This variant has not been reported in the literature in individuals affected with FN1-related conditions. This variant is not present in population databases (gnomAD no frequency). This sequence change replaces threonine, which is neutral and polar, with asparagine, which is neutral and polar, at codon 960 of the FN1 protein (p.Thr960Asn).